The following is an entry in ClinVar:

ClinVar aggregate classification (germline): Uncertain significance. Review status: criteria provided, multiple submitters, no conflicts (2 of 4 stars). 3 submissions from 3 submitters: Uncertain significance (2). 1 of the submissions does not count toward it. Last evaluated 2025-02-07.

Conditions:
Usher syndrome type 1C. Also called: USHER SYNDROME, TYPE I, ACADIAN VARIETY. Identifiers: Orphanet 231169, Orphanet 886, MedGen C1848604, MONDO:0010171, OMIM 276904.

Allele frequency attached by ClinVar (database versions not stated): TOPMed 0.00001; ExAC 0.00002; gnomAD 0.00003; ESP Exome Variant Server 0.00008; 1000 Genomes Project 0.00020; 1000 Genomes Project 30x 0.00031.

Submissions (3):

GeneDx
Classification: Uncertain significance. Last evaluated: 2025-02-07. Review status: criteria provided, single submitter. Criteria: GeneDx Variant Classification Process June 2021. Collection method: clinical testing. Allele origin: germline. Affected: yes.
Comment: Not observed at significant frequency in large population cohorts (gnomAD); In silico analysis supports that this missense variant has a deleterious effect on protein structure/function; Has not been previously published as pathogenic or benign to our knowledge

Labcorp Genetics (formerly Invitae), Labcorp
Classification: Uncertain significance. Last evaluated: 2022-10-05. Review status: criteria provided, single submitter. Criteria: Invitae Variant Classification Sherloc (09022015). Collection method: clinical testing. Allele origin: germline.
Comment: This sequence change replaces arginine, which is basic and polar, with cysteine, which is neutral and slightly polar, at codon 55 of the USH1C protein (p.Arg55Cys). This variant is present in population databases (rs117171411, gnomAD 0.005%). This variant has not been reported in the literature in individuals affected with USH1C-related conditions. ClinVar contains an entry for this variant (Variation ID: 1056761). Algorithms developed to predict the effect of missense changes on protein structure and function are either unavailable or do not agree on the potential impact of this missense change (SIFT: "Deleterious"; PolyPhen-2: "Probably Damaging"; Align-GVGD: "Class C15"). In summary, the available evidence is currently insufficient to determine the role of this variant in disease. Therefore, it has been classified as a Variant of Uncertain Significance.

Natera, Inc.
Classification: Uncertain significance for Usher syndrome type 1C. Last evaluated: 2020-03-02. Review status: no assertion criteria provided. Collection method: clinical testing. Allele origin: germline. Not counted in ClinVar's aggregate classification.

NM_153676.4(USH1C):c.163C>T (p.Arg55Cys)

Gene: USH1C (USH1 protein network component harmonin; minus strand). Cytogenetic location: 11p15.1.
Variant type: single nucleotide variant.
Coding change: c.163C>T on transcript NM_153676.4 (MANE Select); coding-DNA position 163, C replaced by T.
Protein change: p.Arg55Cys; replaces arginine 55 with cysteine.
Molecular consequence: missense variant. On other transcripts: non-coding transcript variant (1).
Genome position (GRCh38, 1-based): chr11:17,531,484, G>A on the plus strand (C>T on the coding strand, the complement: USH1C is on the minus strand). VCF-style: chr11-17531484-G-A. GRCh37 (hg19) VCF-style: chr11-17553031-G-A.
Other names: c.163C>T, p.Arg55Cys (NM_001297764.2, NM_005709.4); c.163C>T (NM_005709.3); short protein forms R55C.
Identifiers: ClinVar variation 1056761 (VCV001056761.4), dbSNP rs117171411, ClinGen allele CA5905150.